The following is an entry in ClinVar:

ClinVar aggregate classification (germline): Uncertain significance. Review status: criteria provided, multiple submitters, no conflicts (2 of 4 stars). 5 submissions from 5 submitters: Uncertain significance (4). 1 of the submissions does not count toward it. Last evaluated 2025-07-21.

Conditions:
Cardiac arrhythmia. Also called: Arrhythmia; Cardiac rhythm disease. Identifiers: MedGen C0003811, MONDO:0007263, HP:0011675.
Long QT syndrome (LQTS). Identifiers: MedGen C0023976, MeSH D008133, MONDO:0002442. Disease mechanism: loss of function. Inheritance: Various modes of inheritance.
Long QT syndrome 2 (LQT2). Identifiers: Orphanet 101016, Orphanet 768, MedGen C3150943, MONDO:0013367, OMIM 613688.

Allele frequency attached by ClinVar (database versions not stated): gnomAD 0.00001 and 0.00002; gnomAD exomes 0.00001 and 0.00002; TOPMed 0.00001; ExAC 0.00002.
gnomAD v4.1: 26 of 1,603,892 alleles (0.0016%); highest among the groups gnomAD compares: South Asian, 0.019%; no homozygotes.

Submissions (5):

Color Diagnostics, LLC DBA Color Health
Classification: Uncertain significance for Cardiac arrhythmia. Last evaluated: 2025-07-21. Review status: criteria provided, single submitter. Criteria: ACMG Guidelines, 2015. Collection method: clinical testing. Allele origin: germline.
Comment: This missense variant replaces glycine with arginine at codon 965 of the KCNH2 protein. Computational prediction suggests that this variant may not impact protein structure and function. To our knowledge, functional studies have not been reported for this variant. This variant has not been reported in individuals affected with KCNH2-related disorders in the literature. This variant has been identified in 4/223938 chromosomes in the general population by the Genome Aggregation Database (gnomAD). The available evidence is insufficient to determine the role of this variant in disease conclusively. Therefore, this variant is classified as a Variant of Uncertain Significance.

Labcorp Genetics (formerly Invitae), Labcorp
Classification: Uncertain significance for Long QT syndrome. Last evaluated: 2024-04-22. Review status: criteria provided, single submitter. Criteria: Invitae Variant Classification Sherloc (09022015). Collection method: clinical testing. Allele origin: germline.
Comment: This sequence change replaces glycine, which is neutral and non-polar, with arginine, which is basic and polar, at codon 965 of the KCNH2 protein (p.Gly965Arg). This variant is present in population databases (rs199473015, gnomAD 0.01%). This variant has not been reported in the literature in individuals affected with KCNH2-related conditions. ClinVar contains an entry for this variant (Variation ID: 67450). Algorithms developed to predict the effect of missense changes on protein structure and function output the following: SIFT: "Not Available"; PolyPhen-2: "Benign"; Align-GVGD: "Not Available". The arginine amino acid residue is found in multiple mammalian species, which suggests that this missense change does not adversely affect protein function. In summary, the available evidence is currently insufficient to determine the role of this variant in disease. Therefore, it has been classified as a Variant of Uncertain Significance.

All of Us Research Program, National Institutes of Health
Classification: Uncertain significance for Long QT syndrome. Last evaluated: 2023-11-02. Review status: criteria provided, single submitter. Criteria: ACMG Guidelines, 2015. Collection method: clinical testing. Allele origin: germline. Inheritance: Autosomal dominant inheritance. Observed: 2 variant alleles, 2 heterozygotes.
Comment: This missense variant replaces glycine with arginine at codon 965 of the KCNH2 protein. Computational prediction suggests that this variant may not impact protein structure and function (internally defined REVEL score threshold <= 0.5, PMID: 27666373). To our knowledge, functional studies have not been reported for this variant. This variant has not been reported in individuals affected with cardiovascular disorders in the literature. This variant has been identified in 4/223938 chromosomes in the general population by the Genome Aggregation Database (gnomAD). The available evidence is insufficient to determine the role of this variant in disease conclusively. Therefore, this variant is classified as a Variant of Uncertain Significance.

This study involves interpretation of variants in research participants for the purpose of population health screening. Participant phenotype was not available at the time of variant classification. Additional details can be found in publication PMID: 35346344, PMCID: PMC8962531

MVZ Martinsried, Medicover Genetics
Classification: Uncertain significance for Long QT syndrome 2. Last evaluated: 2018-07-30. Review status: criteria provided, single submitter. Criteria: ACMG Guidelines, 2015. Collection method: clinical testing. Allele origin: unknown. Affected: yes.

Cardiovascular Biomedical Research Unit, Royal Brompton & Harefield NHS Foundation Trust
No classification provided. Review status: no classification provided. Collection method: literature only. Allele origin: germline. Not counted in ClinVar's aggregate classification.
Comment: This variant has been reported in the following publications (PMID:16487223).

Literature cited by the submitters: PubMed 16487223 (cited by Cardiovascular Biomedical Research Unit, Royal Brompton & Harefield NHS Foundation Trust); PubMed 22581653 (cited by Cardiovascular Biomedical Research Unit, Royal Brompton & Harefield NHS Foundation Trust).

NM_000238.4(KCNH2):c.2893G>A (p.Gly965Arg)

Gene: KCNH2 (potassium voltage-gated channel subfamily H member 2; minus strand). Cytogenetic location: 7q36.1.
Variant type: single nucleotide variant.
Coding change: c.2893G>A on transcript NM_000238.4 (MANE Select); coding-DNA position 2893, G replaced by A.
Protein change: p.Gly965Arg; replaces glycine 965 with arginine.
Molecular consequence: missense variant.
Genome position (GRCh38, 1-based): chr7:150,947,678, C>T on the plus strand (G>A on the coding strand, the complement: KCNH2 is on the minus strand). VCF-style: chr7-150947678-C-T. GRCh37 (hg19) VCF-style: chr7-150644766-C-T.
Other names: c.1873G>A, p.Gly625Arg (NM_172057.3); c.2893G>A (LRG_288t1); short protein forms G625R, G965R.
Identifiers: ClinVar variation 67450 (VCV000067450.10), dbSNP rs199473015, ClinGen allele CA007590.